The following is an entry in ClinVar:

ClinVar aggregate classification (germline): Pathogenic (1 of 4 stars; one submission).

Conditions:
Congenital myotonia, autosomal dominant form (THD). Also called: THOMSEN DISEASE; Myotonia congenita autosomal dominant. Identifiers: Orphanet 614, MedGen C2936781, MONDO:0008055, OMIM 160800.
Congenital myotonia, autosomal recessive form. Also called: BECKER DISEASE; Becker Generalized Myotonia; myotonia congenita, autosomal recessive. Identifiers: Orphanet 614, MedGen C0751360, MONDO:0009715, OMIM 255700.

Submission:

Labcorp Genetics (formerly Invitae), Labcorp
Classification: Pathogenic for Congenital myotonia, autosomal recessive form; Congenital myotonia, autosomal dominant form. Last evaluated: 2023-12-30. Review status: criteria provided, single submitter. Criteria: Invitae Variant Classification Sherloc (09022015). Collection method: clinical testing. Allele origin: germline.
Comment: This sequence change creates a premature translational stop signal (p.Glu67Asnfs*10) in the CLCN1 gene. It is expected to result in an absent or disrupted protein product. Loss-of-function variants in CLCN1 are known to be pathogenic (PMID: 17932099, 22094069, 23739125). This variant is not present in population databases (gnomAD no frequency). This variant has not been reported in the literature in individuals affected with CLCN1-related conditions. For these reasons, this variant has been classified as Pathogenic.

Literature cited by the submitters: PubMed 17932099; PubMed 22094069; PubMed 23739125.

NM_000083.3(CLCN1):c.198del (p.Glu67fs)

Gene: CLCN1 (chloride voltage-gated channel 1; plus strand). Cytogenetic location: 7q34.
Variant type: Deletion.
Coding change: c.198del on transcript NM_000083.3 (MANE Select); coding-DNA position 198, one base deleted (A; older notation c.198delA).
Protein change: p.Glu67fs; shifts the reading frame from glutamic acid 67.
Molecular consequence: frameshift variant. On other transcripts: non-coding transcript variant (1).
Genome position (GRCh38, 1-based): chr7:143,319,772, A deleted; the last of 3 consecutive A bases (chr7:143,319,770-143,319,772); deleting any one gives the same sequence. VCF-style (leftmost placement, unchanged base first): chr7-143319769-CA-C. GRCh37 (hg19) VCF-style: chr7-143016862-CA-C.
Other names: short protein forms E67fs.
Identifiers: ClinVar variation 2921801 (VCV002921801.3), dbSNP rs2487025773, ClinGen allele CA2740094889.
Genomic context (GRCh38, chr7:143,319,769, plus strand): 5'-TTTAGTCTTCCACAAGGCAGACACTGATCATTCTCTCTCTGTCCAGATTTATGGCCATCA[CA>C]AAGAACAATTCTCAGACAGGGAGCAGGACATAGGGATGCCCAAGAAGACAGGCTCCAGTT-3'